The following is an entry in ClinVar:

ClinVar aggregate classification (germline): Uncertain significance (1 of 4 stars; one submission).

Conditions:
Epilepsy, X-linked 1, with variable learning disabilities and behavior disorders. Also called: X-linked epilepsy-learning disabilities-behavior disorders syndrome. Identifiers: Orphanet 85294, MedGen C5774177, MONDO:0010339, OMIM 300491.

Submission:

Labcorp Genetics (formerly Invitae), Labcorp
Classification: Uncertain significance for Epilepsy, X-linked 1, with variable learning disabilities and behavior disorders. Last evaluated: 2025-07-27. Review status: criteria provided, single submitter. Criteria: Invitae Variant Classification Sherloc (09022015). Collection method: clinical testing. Allele origin: germline.
Comment: This sequence change replaces histidine, which is basic and polar, with glutamine, which is neutral and polar, at codon 492 of the SYN1 protein (p.His492Gln). This variant is not present in population databases (gnomAD no frequency). This variant has not been reported in the literature in individuals affected with SYN1-related conditions. Experimental studies and prediction algorithms are not available or were not evaluated, and the functional significance of this variant is currently unknown. In summary, the available evidence is currently insufficient to determine the role of this variant in disease. Therefore, it has been classified as a Variant of Uncertain Significance.

NM_006950.3(SYN1):c.1476C>G (p.His492Gln)

Gene: SYN1 (synapsin I; minus strand). Cytogenetic location: Xp11.3.
Variant type: single nucleotide variant.
Coding change: c.1476C>G on transcript NM_006950.3 (MANE Select); coding-DNA position 1476, C replaced by G.
Protein change: p.His492Gln; replaces histidine 492 with glutamine.
Molecular consequence: missense variant.
Genome position (GRCh38, 1-based): chrX:47,574,508, G>C on the plus strand (C>G on the coding strand, the complement: SYN1 is on the minus strand). VCF-style: chrX-47574508-G-C. GRCh37 (hg19) VCF-style: chrX-47433907-G-C.
Other names: c.1476C>G, p.His492Gln (NM_133499.2); short protein forms H492Q.
Identifiers: ClinVar variation 4724052 (VCV004724052.1).